The following is an entry in ClinVar:

NM_018896.5(CACNA1G):c.7003G>A (p.Ala2335Thr)

Gene: CACNA1G (calcium voltage-gated channel subunit alpha1 G; plus strand). Cytogenetic location: 17q21.33.
Variant type: single nucleotide variant.
Coding change: c.7003G>A on transcript NM_018896.5 (MANE Select); coding-DNA position 7003, G replaced by A.
Protein change: p.Ala2335Thr; replaces alanine 2335 with threonine.
Molecular consequence: missense variant. On other transcripts: non-coding transcript variant (5).
Genome position (GRCh38, 1-based): chr17:50,626,620, G>A. VCF-style: chr17-50626620-G-A. GRCh37 (hg19) VCF-style: chr17-48703981-G-A.
Other names: c.6814G>A, p.Ala2272Thr (NM_001256324.2); c.6745G>A, p.Ala2249Thr (NM_001256325.2); c.6733G>A, p.Ala2245Thr (NM_001256326.2); c.6703G>A, p.Ala2235Thr (NM_001256327.2); c.6649G>A, p.Ala2217Thr (NM_001256328.2); c.6622G>A, p.Ala2208Thr (NM_001256329.2, NM_198387.3); c.6589G>A, p.Ala2197Thr (NM_001256330.2); c.6568G>A, p.Ala2190Thr (NM_001256331.2); and 18 more; short protein forms A2129T, A2152T, A2163T, A2185T, A2190T, A2197T, A2201T, A2204T.
Identifiers: ClinVar variation 4527753 (VCV004527753.1).

ClinVar aggregate classification (germline): Uncertain significance (1 of 4 stars; one submission).

gnomAD v4.1: 1 of 1,612,736 alleles (0.000062%); highest among the groups gnomAD compares: Non-Finnish European, 0.000085%; no homozygotes.

Submission:

GeneDx
Classification: Uncertain significance. Last evaluated: 2025-05-02. Review status: criteria provided, single submitter. Criteria: GeneDx Variant Classification Process June 2021. Collection method: clinical testing. Allele origin: germline. Affected: yes.
Comment: Not observed at significant frequency in large population cohorts (gnomAD); In silico analysis suggests that this missense variant does not alter protein structure/function; Has not been previously published as pathogenic or benign to our knowledge